The following is an entry in ClinVar:

NM_001378477.3(NYX):c.523G>C (p.Gly175Arg)

Gene: NYX (nyctalopin; plus strand). Cytogenetic location: Xp11.4.
Variant type: single nucleotide variant.
Coding change: c.523G>C on transcript NM_001378477.3 (MANE Select); coding-DNA position 523, G replaced by C.
Protein change: p.Gly175Arg; replaces glycine 175 with arginine.
Molecular consequence: missense variant.
Genome position (GRCh38, 1-based): chrX:41,473,991, G>C. VCF-style: chrX-41473991-G-C. GRCh37 (hg19) VCF-style: chrX-41333244-G-C.
Other names: c.523G>C, p.Gly175Arg (NM_022567.3); short protein forms G180R, G175R.
Identifiers: ClinVar variation 837102 (VCV000837102.10), dbSNP rs1185803465, ClinGen allele CA412990727.

ClinVar aggregate classification (germline): Uncertain significance. Review status: criteria provided, multiple submitters, no conflicts (2 of 4 stars). 2 submissions from 2 submitters: Uncertain significance (2). Last evaluated 2025-10-17.

Conditions:
NYX-related disorder. Also called: NYX-related condition.

Allele frequency attached by ClinVar (database versions not stated): TOPMed 0.00003; gnomAD 0.00005 and 0.00006.
gnomAD v4.1: 58 of 1,070,115 alleles (0.0054%); highest among the groups gnomAD compares: Non-Finnish European, 0.0067%; no homozygotes.

Submissions (2):

PreventionGenetics, part of Exact Sciences
Classification: Uncertain significance for NYX-related condition. Last evaluated: 2025-10-17. Review status: criteria provided, single submitter. Criteria: ACMG Guidelines, 2015. Collection method: clinical testing. Allele origin: germline.
Comment: The NYX c.538G>C variant is predicted to result in the amino acid substitution p.Gly180Arg. To our knowledge, this variant has not been reported in the literature. This variant is reported in 0.0069% of alleles in individuals of European (Non-Finnish) descent in gnomAD. At this time, the clinical significance of this variant is uncertain due to the absence of conclusive functional and genetic evidence.

Labcorp Genetics (formerly Invitae), Labcorp
Classification: Uncertain significance. Last evaluated: 2025-05-09. Review status: criteria provided, single submitter. Criteria: Invitae Variant Classification Sherloc (09022015). Collection method: clinical testing. Allele origin: germline.
Comment: This sequence change replaces glycine, which is neutral and non-polar, with arginine, which is basic and polar, at codon 180 of the NYX protein (p.Gly180Arg). This variant is present in population databases (no rsID available, gnomAD 0.01%). This variant has not been reported in the literature in individuals affected with NYX-related conditions. ClinVar contains an entry for this variant (Variation ID: 837102). Invitae Evidence Modeling of protein sequence and biophysical properties (such as structural, functional, and spatial information, amino acid conservation, physicochemical variation, residue mobility, and thermodynamic stability) indicates that this missense variant is not expected to disrupt NYX protein function with a negative predictive value of 80%. In summary, the available evidence is currently insufficient to determine the role of this variant in disease. Therefore, it has been classified as a Variant of Uncertain Significance.